The following is an entry in ClinVar:

ClinVar aggregate classification (germline): Uncertain significance. Review status: criteria provided, multiple submitters, no conflicts (2 of 4 stars). 2 submissions from 2 submitters: Uncertain significance (2). Last evaluated 2020-09-15.

Conditions:
Hereditary cancer-predisposing syndrome. Also called: Hereditary neoplastic syndrome; Neoplastic Syndromes, Hereditary; Tumor predisposition; Hereditary Cancer Syndrome. Identifiers: Orphanet 140162, MedGen C0027672, MeSH D009386, MONDO:0015356.
Hereditary diffuse gastric adenocarcinoma (HDGC). Also called: DIFFUSE GASTRIC AND LOBULAR BREAST CANCER SYNDROME. Identifiers: Orphanet 26106, MedGen C1708349, MONDO:0007648, OMIM 137215.

Submissions (2):

Color Diagnostics, LLC DBA Color Health
Classification: Uncertain significance for Hereditary cancer-predisposing syndrome. Last evaluated: 2020-09-15. Review status: criteria provided, single submitter. Criteria: ACMG Guidelines, 2015. Collection method: clinical testing. Allele origin: germline.
Comment: This missense variant replaces isoleucine with threonine at codon 248 of the CDH1 protein. To our knowledge, functional studies have not been reported for this variant. This variant has not been reported in individuals affected with hereditary cancer in the literature. This variant has not been identified in the general population by the Genome Aggregation Database (gnomAD). The available evidence is insufficient to determine the role of this variant in disease conclusively. Therefore, this variant is classified as a Variant of Uncertain Significance.

Labcorp Genetics (formerly Invitae), Labcorp
Classification: Uncertain significance for Hereditary diffuse gastric adenocarcinoma. Last evaluated: 2017-07-31. Review status: criteria provided, single submitter. Criteria: Invitae Variant Classification Sherloc (09022015). Collection method: clinical testing. Allele origin: germline.
Comment: In summary, the available evidence is currently insufficient to determine the role of this variant in disease. Therefore, it has been classified as a Variant of Uncertain Significance. Algorithms developed to predict the effect of missense changes on protein structure and function (SIFT, PolyPhen-2, Align-GVGD) all suggest that this variant is likely to be disruptive, but these predictions have not been confirmed by published functional studies and their clinical significance is uncertain. This variant has not been reported in the literature in individuals with CDH1-related disease. This variant is not present in population databases (ExAC no frequency). This sequence change replaces isoleucine with threonine at codon 248 of the CDH1 protein (p.Ile248Thr). The isoleucine residue is highly conserved and there is a moderate physicochemical difference between isoleucine and threonine.

NM_004360.5(CDH1):c.743T>C (p.Ile248Thr)

Gene: CDH1 (cadherin 1; plus strand). Cytogenetic location: 16q22.1.
Variant type: single nucleotide variant.
Coding change: c.743T>C on transcript NM_004360.5 (MANE Select); coding-DNA position 743, T replaced by C.
Protein change: p.Ile248Thr; replaces isoleucine 248 with threonine.
Molecular consequence: missense variant. On other transcripts: 5 prime UTR variant (2).
Genome position (GRCh38, 1-based): chr16:68,810,252, T>C. VCF-style: chr16-68810252-T-C. GRCh37 (hg19) VCF-style: chr16-68844155-T-C.
Other names: c.743T>C (LRG_301t1); c.743T>C, p.Ile248Thr (NM_001317184.2); c.-873T>C (NM_001317185.2); c.-1077T>C (NM_001317186.2); short protein forms I248T.
Identifiers: ClinVar variation 463791 (VCV000463791.11), dbSNP rs1555515438, ClinGen allele CA396458556.